The following is an entry in ClinVar:

NM_015662.3(IFT172):c.1009A>G (p.Ile337Val)

Gene: IFT172 (intraflagellar transport 172; minus strand). Cytogenetic location: 2p23.3.
Variant type: single nucleotide variant.
Coding change: c.1009A>G on transcript NM_015662.3 (MANE Select); coding-DNA position 1009, A replaced by G.
Protein change: p.Ile337Val; replaces isoleucine 337 with valine.
Molecular consequence: missense variant.
Genome position (GRCh38, 1-based): chr2:27,478,153, T>C on the plus strand (A>G on the coding strand, the complement: IFT172 is on the minus strand). VCF-style: chr2-27478153-T-C. GRCh37 (hg19) VCF-style: chr2-27701020-T-C.
Other names: short protein forms I337V.
Identifiers: ClinVar variation 1394823 (VCV001394823.4), dbSNP rs774559020, ClinGen allele CA1580788.

ClinVar aggregate classification (germline): Uncertain significance (1 of 4 stars; one submission).

Conditions:
Retinitis pigmentosa 71 (RP71). Identifiers: Orphanet 791, MedGen C4225342, MONDO:0014618, OMIM 616394.
Short-rib thoracic dysplasia 10 with or without polydactyly (SRTD10). Identifiers: Orphanet 474, MedGen C3810175, MONDO:0014284, OMIM 615630.

Allele frequency attached by ClinVar (database versions not stated): TOPMed below 0.00001; gnomAD exomes 0.00001 and 0.00002; ExAC 0.00002.
gnomAD v4.1: 6 of 1,614,078 alleles (0.00037%); highest among the groups gnomAD compares: Admixed American, 0.01%; no homozygotes.

Submission:

Labcorp Genetics (formerly Invitae), Labcorp
Classification: Uncertain significance for Retinitis pigmentosa 71; Short-rib thoracic dysplasia 10 with or without polydactyly. Last evaluated: 2023-08-04. Review status: criteria provided, single submitter. Criteria: Invitae Variant Classification Sherloc (09022015). Collection method: clinical testing. Allele origin: germline.
Comment: In summary, the available evidence is currently insufficient to determine the role of this variant in disease. Therefore, it has been classified as a Variant of Uncertain Significance. Advanced modeling of protein sequence and biophysical properties (such as structural, functional, and spatial information, amino acid conservation, physicochemical variation, residue mobility, and thermodynamic stability) performed at Invitae indicates that this missense variant is not expected to disrupt IFT172 protein function. ClinVar contains an entry for this variant (Variation ID: 1394823). This variant has not been reported in the literature in individuals affected with IFT172-related conditions. This variant is present in population databases (rs774559020, gnomAD 0.01%). This sequence change replaces isoleucine, which is neutral and non-polar, with valine, which is neutral and non-polar, at codon 337 of the IFT172 protein (p.Ile337Val).